The following is an entry in ClinVar:

ClinVar aggregate classification (germline): Pathogenic (1 of 4 stars; one submission).

Conditions:
Leber congenital amaurosis 9 (LCA9). Also called: LCA 9; Amaurosis congenita of Leber, type 9; LCA9 Leber Congenital Amaurosis. Identifiers: Orphanet 65, MedGen C1837873, MONDO:0012056, OMIM 608553.

Submission:

Labcorp Genetics (formerly Invitae), Labcorp
Classification: Pathogenic for Leber congenital amaurosis 9. Last evaluated: 2023-08-22. Review status: criteria provided, single submitter. Criteria: Invitae Variant Classification Sherloc (09022015). Collection method: clinical testing. Allele origin: germline.
Comment: For these reasons, this variant has been classified as Pathogenic. Advanced modeling of protein sequence and biophysical properties (such as structural, functional, and spatial information, amino acid conservation, physicochemical variation, residue mobility, and thermodynamic stability) performed at Invitae indicates that this missense variant is not expected to disrupt NMNAT1 protein function. This missense change has been observed in individual(s) with Leber congenital amaurosis (PMID: 25988908, 26047050, 31630094, 34837036). In at least one individual the data is consistent with being in trans (on the opposite chromosome) from a pathogenic variant. It has also been observed to segregate with disease in related individuals. This variant is not present in population databases (gnomAD no frequency). This sequence change replaces proline, which is neutral and non-polar, with serine, which is neutral and polar, at codon 241 of the NMNAT1 protein (p.Pro241Ser).

Literature cited by the submitters: PubMed 25988908; PubMed 26047050; PubMed 31630094; PubMed 34837036.

NM_022787.4(NMNAT1):c.721C>T (p.Pro241Ser)

Gene: NMNAT1 (nicotinamide nucleotide adenylyltransferase 1; plus strand). Cytogenetic location: 1p36.22.
Variant type: single nucleotide variant.
Coding change: c.721C>T on transcript NM_022787.4 (MANE Select); coding-DNA position 721, C replaced by T.
Protein change: p.Pro241Ser; replaces proline 241 with serine.
Molecular consequence: missense variant.
Genome position (GRCh38, 1-based): chr1:9,982,582, C>T. VCF-style: chr1-9982582-C-T. GRCh37 (hg19) VCF-style: chr1-10042640-C-T.
Other names: c.721C>T, p.Pro241Ser (NM_001297778.1); short protein forms P241S.
Identifiers: ClinVar variation 2733823 (VCV002733823.3), dbSNP rs2522304453, ClinGen allele CA338687213.